The following is an entry in ClinVar:

ClinVar aggregate classification (germline): Uncertain significance (1 of 4 stars; one submission).

Conditions:
Parathyroid carcinoma (PRTC). Also called: CDC73-Related Parathyroid Carcinoma; Parathyroid gland carcinoma. Identifiers: Orphanet 143, MedGen C0687150, MONDO:0012004, OMIM 608266, HP:0006780.

Submission:

Labcorp Genetics (formerly Invitae), Labcorp
Classification: Uncertain significance for Parathyroid carcinoma. Last evaluated: 2025-02-18. Review status: criteria provided, single submitter. Criteria: Invitae Variant Classification Sherloc (09022015). Collection method: clinical testing. Allele origin: germline.
Comment: This sequence change replaces proline, which is neutral and non-polar, with leucine, which is neutral and non-polar, at codon 278 of the CDC73 protein (p.Pro278Leu). This variant is not present in population databases (gnomAD no frequency). This variant has not been reported in the literature in individuals affected with CDC73-related conditions. ClinVar contains an entry for this variant (Variation ID: 1016919). Invitae Evidence Modeling of protein sequence and biophysical properties (such as structural, functional, and spatial information, amino acid conservation, physicochemical variation, residue mobility, and thermodynamic stability) indicates that this missense variant is not expected to disrupt CDC73 protein function with a negative predictive value of 80%. In summary, the available evidence is currently insufficient to determine the role of this variant in disease. Therefore, it has been classified as a Variant of Uncertain Significance.

NM_024529.5(CDC73):c.833C>T (p.Pro278Leu)

Gene: CDC73 (cell division cycle 73; plus strand). Cytogenetic location: 1q31.2.
Variant type: single nucleotide variant.
Coding change: c.833C>T on transcript NM_024529.5 (MANE Select); coding-DNA position 833, C replaced by T.
Protein change: p.Pro278Leu; replaces proline 278 with leucine.
Molecular consequence: missense variant.
Genome position (GRCh38, 1-based): chr1:193,150,308, C>T. VCF-style: chr1-193150308-C-T. GRCh37 (hg19) VCF-style: chr1-193119438-C-T.
Other names: short protein forms P278L.
Identifiers: ClinVar variation 1016919 (VCV001016919.9), dbSNP rs1676083095, ClinGen allele CA343964865.